The following is an entry in ClinVar:

NM_004336.5(BUB1):c.878T>C (p.Met293Thr)

Gene: BUB1 (BUB1 mitotic checkpoint serine/threonine kinase; minus strand). Cytogenetic location: 2q13.
Variant type: single nucleotide variant.
Coding change: c.878T>C on transcript NM_004336.5 (MANE Select); coding-DNA position 878, T replaced by C.
Protein change: p.Met293Thr; replaces methionine 293 with threonine.
Molecular consequence: missense variant.
Genome position (GRCh38, 1-based): chr2:110,666,342, A>G on the plus strand (T>C on the coding strand, the complement: BUB1 is on the minus strand). VCF-style: chr2-110666342-A-G. GRCh37 (hg19) VCF-style: chr2-111423919-A-G.
Other names: c.818T>C, p.Met273Thr (NM_001278616.2); c.878T>C, p.Met293Thr (NM_001278617.2); short protein forms M293T, M273T.
Identifiers: ClinVar variation 3262097 (VCV003262097.1).

ClinVar aggregate classification (germline): Uncertain significance (1 of 4 stars; one submission).

Submission:

Ambry Genetics
Classification: Uncertain significance. Last evaluated: 2024-04-17. Review status: criteria provided, single submitter. Criteria: Ambry Variant Classification Scheme 2023. Collection method: clinical testing. Allele origin: germline.
Comment: The p.M293T variant (also known as c.878T>C), located in coding exon 9 of the BUB1 gene, results from a T to C substitution at nucleotide position 878. The methionine at codon 293 is replaced by threonine, an amino acid with similar properties. This amino acid position is conserved. In addition, this alteration is predicted to be tolerated by in silico analysis. Based on the available evidence, the clinical significance of this variant remains unclear.